The following is an entry in ClinVar:

NM_000540.3(RYR1):c.14288C>A (p.Pro4763Gln)

Gene: RYR1 (ryanodine receptor 1; plus strand). Cytogenetic location: 19q13.2.
Variant type: single nucleotide variant.
Coding change: c.14288C>A on transcript NM_000540.3 (MANE Select); coding-DNA position 14288, C replaced by A.
Protein change: p.Pro4763Gln; replaces proline 4763 with glutamine.
Molecular consequence: missense variant.
Genome position (GRCh38, 1-based): chr19:38,578,033, C>A. VCF-style: chr19-38578033-C-A. GRCh37 (hg19) VCF-style: chr19-39068673-C-A.
Other names: c.14273C>A, p.Pro4758Gln (NM_001042723.2); short protein forms P4758Q, P4763Q.
Identifiers: ClinVar variation 892825 (VCV000892825.5), dbSNP rs1974035851, ClinGen allele CA405684815.
Genomic context (GRCh38, chr19:38,578,033, plus strand): 5'-GCATGGACCTGGCCACACTAGAGATCACAGCCCACAATGAGCGCAAGCCCAACCCGCCGC[C>A]AGGGCTGCTGACCTGGTGAGCCCAGGACACCCCTGCACAGGCCTGGGGCATGCAGGGGAG-3'
Protein context (NP_000531.2, residues 4753-4773): AHNERKPNPP[Pro4763Gln]GLLTWLMSID

ClinVar aggregate classification (germline): Uncertain significance. Review status: criteria provided, multiple submitters, no conflicts (2 of 4 stars). 4 submissions from 2 submitters: Uncertain significance (4). Last evaluated 2023-07-10.

Conditions:
Congenital multicore myopathy with external ophthalmoplegia (CMYO1B). Also called: MULTICORE MYOPATHY; Minicore myopathy with external ophthalmoplegia; Congenital myopathy 1B, autosomal recessive; Minicore myopathy; MULTIMINICORE DISEASE WITH EXTERNAL OPHTHALMOPLEGIA. Identifiers: Orphanet 598, Orphanet 98905, MedGen C1850674, MONDO:0009712, OMIM 255320, HP:0003789.
Central core myopathy (CMYO1A). Also called: CONGENITAL MYOPATHY 1A, AUTOSOMAL DOMINANT, WITH SUSCEPTIBILITY TO MALIGNANT HYPERTHERMIA; Central core disease; Myopathy, central fibrillar. Identifiers: Orphanet 597, MedGen C5830701, MONDO:0007294, OMIM 117000.
Malignant hyperthermia, susceptibility to, 1 (MHS1). Also called: Anesthesia related hyperthermia; Malignant hyperpyrexia; Fulminating hyperpyrexia; Pharmacogenic myopathy; RYR1-Related Malignant Hyperthermia Susceptibility; Malignant hyperthermia suceptibility 1. Identifiers: Orphanet 423, MedGen C2930980, MONDO:0007783, OMIM 145600.

Allele frequency attached by ClinVar (database versions not stated): TOPMed below 0.00001.
gnomAD v4.1: 2 of 1,614,140 alleles (0.00012%); highest among the groups gnomAD compares: Non-Finnish European, 0.000085%; no homozygotes.

Submissions (4):

All of Us Research Program, National Institutes of Health
Classification: Uncertain significance for Malignant hyperthermia, susceptibility to, 1. Last evaluated: 2023-07-10. Review status: criteria provided, single submitter. Criteria: ACMG Guidelines, 2015. Collection method: clinical testing. Allele origin: germline. Inheritance: Autosomal dominant inheritance. Observed: 2 variant alleles, 2 heterozygotes.
Comment: This missense variant replaces proline with glutamine at codon 4763 of the RYR1 protein. Computational prediction suggests that this variant may not impact protein structure and function (internally defined REVEL score threshold <= 0.5, PMID: 27666373). To our knowledge, functional studies have not been reported for this variant. This variant has not been reported in individuals affected with RYR1-related disorders in the literature. This variant has not been identified in the general population by the Genome Aggregation Database (gnomAD). The available evidence is insufficient to determine the role of this variant in disease conclusively. Therefore, this variant is classified as a Variant of Uncertain Significance.

This study involves interpretation of variants in research participants for the purpose of population health screening. Participant phenotype was not available at the time of variant classification. Additional details can be found in publication PMID: 35346344, PMCID: PMC8962531

Illumina Laboratory Services, Illumina
Classification: Uncertain significance for Central core myopathy. Last evaluated: 2017-04-28. Review status: criteria provided, single submitter. Criteria: ICSL Variant Classification Criteria 13 December 2019. Collection method: clinical testing. Allele origin: germline.

Illumina Laboratory Services, Illumina
Classification: Uncertain significance for Congenital multicore myopathy with external ophthalmoplegia. Last evaluated: 2017-04-28. Review status: criteria provided, single submitter. Criteria: ICSL Variant Classification Criteria 13 December 2019. Collection method: clinical testing. Allele origin: germline.

Illumina Laboratory Services, Illumina
Classification: Uncertain significance for Malignant hyperthermia, susceptibility to, 1. Last evaluated: 2017-04-28. Review status: criteria provided, single submitter. Criteria: ICSL Variant Classification Criteria 13 December 2019. Collection method: clinical testing. Allele origin: germline.